The following is an entry in ClinVar:

ClinVar aggregate classification (germline): Uncertain significance (1 of 4 stars; one submission).

Allele frequency attached by ClinVar (database versions not stated): gnomAD 0.00001; TOPMed 0.00001.
gnomAD v4.1: 42 of 1,613,478 alleles (0.0026%); highest among the groups gnomAD compares: Middle Eastern, 0.21%; 2 homozygotes.

Submission:

GeneDx
Classification: Uncertain significance. Last evaluated: 2014-07-10. Review status: criteria provided, single submitter. Criteria: GeneDx Variant Classification (06012015). Collection method: clinical testing. Allele origin: germline. Affected: yes.
Comment: p.Leu270Val (CTA>GTA): c.808 C>G in exon 7 of the C8ORF38 gene (NM_152416.2). The L270V variant has not been published as a mutation, nor has it been reported as a benign polymorphism to our knowledge. The L270V variant is a conservative amino acid substitution, which is not likely to impact secondary protein structure as these residues share similar properties. This substitution occurs at a position that is conserved across species. In silico analysis is inconsistent in its predictions as to whether or not the variant is damaging to the protein structure/function. Therefore, based on the currently available information, it is unclear whether this variant is a pathogenic mutation or a rare benign variant. The variant is found in MITONUC-MITOP panel(s).

NM_152416.4(NDUFAF6):c.808C>G (p.Leu270Val)

Gene: NDUFAF6 (NADH:ubiquinone oxidoreductase complex assembly factor 6; plus strand). Cytogenetic location: 8q22.1.
Variant type: single nucleotide variant.
Coding change: c.808C>G on transcript NM_152416.4 (MANE Select); coding-DNA position 808, C replaced by G.
Protein change: p.Leu270Val; replaces leucine 270 with valine.
Molecular consequence: missense variant. On other transcripts: non-coding transcript variant (6).
Genome position (GRCh38, 1-based): chr8:95,048,550, C>G. VCF-style: chr8-95048550-C-G. GRCh37 (hg19) VCF-style: chr8-96060778-C-G.
Other names: p.L270V:CTA>GTA; c.532C>G, p.Leu178Val (NM_001330582.2, NM_001354514.2, NM_001354515.2 and 1 more transcripts); c.652C>G, p.Leu218Val (NM_001354516.2); c.475C>G, p.Leu159Val (NM_001354517.2, NM_001354518.2, NM_001354519.2 and 1 more transcripts); c.352C>G, p.Leu118Val (NM_001354522.2, NM_001354524.2, NM_001354525.2 and 7 more transcripts); short protein forms L270V, L159V, L118V, L178V, L218V.
Identifiers: ClinVar variation 214216 (VCV000214216.2), dbSNP rs747954437, ClinGen allele CA321475.